The following is an entry in ClinVar:

ClinVar aggregate classification (germline): Benign/Likely benign. Review status: criteria provided, multiple submitters, no conflicts (2 of 4 stars). 3 submissions from 3 submitters: Benign (1); Likely benign (2). Last evaluated 2024-11-06.

Conditions:
Papillary renal cell carcinoma type 1 (RCCP1). Also called: Renal adenocarcinoma; Renal cell carcinoma 1; Renal cell carcinoma, somatic; RENAL CELL CARCINOMA, PAPILLARY, 1, SOMATIC. Identifiers: Orphanet 47044, MedGen C1336839, OMIM 605074, HP:0011797.
Renal cell carcinoma. Identifiers: Orphanet 217071, MedGen C0007134, MeSH D002292, MONDO:0005086, HP:0005584.
Hereditary cancer-predisposing syndrome. Also called: Tumor predisposition; Hereditary neoplastic syndrome; Hereditary Cancer Syndrome; Neoplastic Syndromes, Hereditary. Identifiers: Orphanet 140162, MedGen C0027672, MeSH D009386, MONDO:0015356.

Submissions (3):

Myriad Genetics, Inc.
Classification: Benign for Papillary renal cell carcinoma type 1. Last evaluated: 2024-11-06. Review status: criteria provided, single submitter. Criteria: Myriad Autosomal Dominant, Autosomal Recessive and X-Linked Classification Criteria (2023). Collection method: clinical testing. Allele origin: unknown.
Comment: This variant is considered benign. This variant is a silent/synonymous amino acid change and it is not expected to impact splicing.

Labcorp Genetics (formerly Invitae), Labcorp
Classification: Likely benign for Renal cell carcinoma. Last evaluated: 2024-07-29. Review status: criteria provided, single submitter. Criteria: Invitae Variant Classification Sherloc (09022015). Collection method: clinical testing. Allele origin: germline.

Ambry Genetics
Classification: Likely benign for Hereditary cancer-predisposing syndrome. Last evaluated: 2024-02-06. Review status: criteria provided, single submitter. Criteria: Ambry Variant Classification Scheme 2023. Collection method: clinical testing. Allele origin: germline.

NM_000245.4(MET):c.240G>A (p.Lys80=)

Gene: MET (MET proto-oncogene, receptor tyrosine kinase; plus strand). Cytogenetic location: 7q31.2.
Variant type: single nucleotide variant.
Coding change: c.240G>A on transcript NM_000245.4 (MANE Select); coding-DNA position 240, G replaced by A.
Protein change: p.Lys80=; no amino-acid change (lysine 80 retained).
Molecular consequence: synonymous variant. On other transcripts: intron variant (1).
Genome position (GRCh38, 1-based): chr7:116,699,324, G>A. VCF-style: chr7-116699324-G-A. GRCh37 (hg19) VCF-style: chr7-116339378-G-A.
Other names: c.240G>A (NM_001127500.1); c.240G>A, p.Lys80= (NM_001127500.3, NM_001324401.3); c.-91+26747G>A (NM_001324402.2).
Identifiers: ClinVar variation 1098067 (VCV001098067.11), dbSNP rs2116583694, ClinGen allele CA457448007.